The following is an entry in ClinVar:

ClinVar aggregate classification (germline): Uncertain significance. Review status: reviewed by expert panel (3 of 4 stars). 5 submissions from 5 submitters: Uncertain significance (1). 4 of the submissions do not count toward it. Last evaluated 2024-04-05.

Conditions:
Maturity-onset diabetes of the young type 1. Also called: MILD JUVENILE DIABETES MELLITUS; HNF4A-Related Maturity-Onset Diabetes of the Young Type 1; MODY type 1; Diabetes mellitus MODY type 1; MODY HNF4A related; MODY, type I. Identifiers: Orphanet 552, MedGen C1852093, MONDO:0007452, OMIM 125850. Disease mechanism: loss of function.
Fanconi renotubular syndrome 4 with maturity-onset diabetes of the young (FRTS4). Also called: FRTS4 WITH MODY. Identifiers: Orphanet 93111, MedGen C4014962, MONDO:0014458, OMIM 616026.
Type 2 diabetes mellitus. Also called: Type II diabetes mellitus. Identifiers: MedGen C0011860, MeSH D003924, MONDO:0005148, OMIM 125853, HP:0005978.
Monogenic diabetes. Identifiers: Orphanet 183625, MedGen C3888631, MONDO:0015967.
Maturity-onset diabetes of the young (MODY). Also called: Maturity onset diabetes mellitus in young. Identifiers: Orphanet 552, MedGen C0342276, MONDO:0018911, HP:0004904.

Allele frequency attached by ClinVar (database versions not stated): ExAC 0.00002; gnomAD exomes 0.00002 and 0.00003; TOPMed 0.00003; gnomAD 0.00005; ESP Exome Variant Server 0.00008.

Submissions (5):

ClinGen Monogenic Diabetes Variant Curation Expert Panel
Classification: Uncertain significance for Monogenic diabetes. Last evaluated: 2024-04-05. Review status: reviewed by expert panel. Criteria: ClinGen Diabetes ACMG Specifications HNF4A V2.0.0. Collection method: curation. Allele origin: germline. Inheritance: Autosomal dominant inheritance.
Comment: The c.83C>T variant in the hepatocyte nuclear factor 4-alpha gene, HNF4A, causes an amino acid change of alanine to valine at codon 28 (p.(Ala28Val)) of NM_175914.5. The Grpmax filtering allele frequency of the c.83C>T variant in gnomAD v2.1.1 is 0.0007020%, which falls between ClinGen MDEP-established cutoffs for PM2_Supporting and BS1; thus, neither criterion will be applied. This variant has a REVEL score of 0.186, which is between the ClinGen MDEP thresholds for BP4 and PP3, predicting neither a damaging nor benign impact on HNF4A function. This variant was identified in an individual with diabetes; however, the calculated MODY probability is <50% (internal lab contributor). In summary, c.83C>T meets the criteria to be classified as a variant of uncertain significance for monogenic diabetes. ACMG/AMP criteria applied, as specified by the ClinGen MDEP (specification version 1.1, approved 8/11/2023): BS2.

Labcorp Genetics (formerly Invitae), Labcorp
Classification: Uncertain significance. Last evaluated: 2025-08-04. Review status: criteria provided, single submitter. Criteria: Invitae Variant Classification Sherloc (09022015). Collection method: clinical testing. Allele origin: germline. Not counted in ClinVar's aggregate classification.
Comment: This sequence change replaces alanine, which is neutral and non-polar, with valine, which is neutral and non-polar, at codon 28 of the HNF4A protein (p.Ala28Val). This variant is present in population databases (rs140143857, gnomAD 0.005%). This missense change has been observed in individual(s) with maturity onset diabetes of the young (PMID: 30447144). This variant is also known as c.149C>T (p.A50V). ClinVar contains an entry for this variant (Variation ID: 994900). Invitae Evidence Modeling of protein sequence and biophysical properties (such as structural, functional, and spatial information, amino acid conservation, physicochemical variation, residue mobility, and thermodynamic stability) has been performed for this missense variant. However, the output from this modeling did not meet the statistical confidence thresholds required to predict the impact of this variant on HNF4A protein function. In summary, the available evidence is currently insufficient to determine the role of this variant in disease. Therefore, it has been classified as a Variant of Uncertain Significance.

Fulgent Genetics
Classification: Uncertain significance for Maturity-onset diabetes of the young type 1; Type 2 diabetes mellitus; Fanconi renotubular syndrome 4 with maturity-onset diabetes of the young. Last evaluated: 2024-05-16. Review status: criteria provided, single submitter. Criteria: ACMG Guidelines, 2015. Collection method: clinical testing. Allele origin: germline. Not counted in ClinVar's aggregate classification.

Athena Diagnostics
Classification: Uncertain significance. Last evaluated: 2023-08-30. Review status: criteria provided, single submitter. Criteria: Athena Diagnostics Criteria. Collection method: clinical testing. Allele origin: unknown. Not counted in ClinVar's aggregate classification.
Comment: Available data are insufficient to determine the clinical significance of the variant at this time. The frequency of this variant in the general population is uninformative in assessment of its pathogenicity. This variant has been identified in at least one individual with clinical features associated with this gene. Computational tools disagree on the variant's effect on normal protein function.

Clinical Genomics, Uppaluri K&H Personalized Medicine Clinic
Classification: Uncertain significance for Maturity-onset diabetes of the young. Review status: criteria provided, single submitter. Criteria: K & H Uppaluri Personalized Medicine Clinic Variant Classification & Assertion Criteria_Updated V.1. Collection method: research. Allele origin: unknown. Inheritance: Autosomal dominant inheritance. Not counted in ClinVar's aggregate classification.
Comment: Potent mutations in HNF4A are associated with poor insulin secretion in response to hyperglycemia. Associated with MODY1. Patients initially respond well to sulfonylureas but eventually become insulin dependent. However, more evidence is required to ascertain the role of this particular variant rs140143857 in MODY, yet.

Literature cited by the submitters: PubMed 30447144 (cited by Labcorp Genetics (formerly Invitae), Labcorp and Athena Diagnostics); DOI 10.1159/000334532 (cited by Clinical Genomics, Uppaluri K&H Personalized Medicine Clinic); PubMed 18268044 (cited by Clinical Genomics, Uppaluri K&H Personalized Medicine Clinic); PubMed 17563455 (cited by Clinical Genomics, Uppaluri K&H Personalized Medicine Clinic); PubMed 32583173 (cited by Clinical Genomics, Uppaluri K&H Personalized Medicine Clinic); PubMed 35052457 (cited by Clinical Genomics, Uppaluri K&H Personalized Medicine Clinic); PubMed 35118593 (cited by Clinical Genomics, Uppaluri K&H Personalized Medicine Clinic).

NM_175914.5(HNF4A):c.83C>T (p.Ala28Val)

Gene: HNF4A (hepatocyte nuclear factor 4 alpha; plus strand). Cytogenetic location: 20q13.12.
Variant type: single nucleotide variant.
Coding change: c.83C>T on transcript NM_175914.5 (MANE Select); coding-DNA position 83, C replaced by T.
Protein change: p.Ala28Val; replaces alanine 28 with valine.
Molecular consequence: missense variant.
Genome position (GRCh38, 1-based): chr20:44,406,091, C>T. VCF-style: chr20-44406091-C-T. GRCh37 (hg19) VCF-style: chr20-43034731-C-T.
Other names: NM_175914.5(HNF4A):c.83C>T; p.Ala28Val; c.149C>T, p.Ala50Val (NM_000457.6, NM_178849.3, NM_178850.3); c.83C>T, p.Ala28Val (NM_001030003.3, NM_001030004.3); c.83C>T (NM_175914.4); c.128C>T, p.Ala43Val (NM_001258355.2); c.74C>T, p.Ala25Val (NM_001287182.2, NM_001287183.2, NM_001287184.2); short protein forms A25V, A28V, A43V, A50V.
Identifiers: ClinVar variation 994900 (VCV000994900.8), dbSNP rs140143857, ClinGen allele CA9870161.